The following is an entry in ClinVar:

NM_012433.4(SF3B1):c.3012del (p.Ile1004fs)

Gene: SF3B1 (splicing factor 3b subunit 1; minus strand). Cytogenetic location: 2q33.1.
Variant type: Deletion.
Coding change: c.3012del on transcript NM_012433.4 (MANE Select); coding-DNA position 3012, one base deleted (A; older notation c.3012delA).
Protein change: p.Ile1004fs; shifts the reading frame from isoleucine 1004.
Molecular consequence: frameshift variant.
Genome position (GRCh38, 1-based): chr2:197,400,056, T deleted on the plus strand (A on the coding strand, the reverse complement: SF3B1 is on the minus strand). VCF-style (leftmost placement, unchanged base first): chr2-197400055-CT-C. GRCh37 (hg19) VCF-style: chr2-198264779-CT-C.
Other names: short protein forms I1004fs.
Identifiers: ClinVar variation 4755756 (VCV004755756.1).

ClinVar aggregate classification (germline): Uncertain significance (1 of 4 stars; one submission).

Submission:

GeneDx
Classification: Uncertain significance. Last evaluated: 2023-12-15. Review status: criteria provided, single submitter. Criteria: GeneDx Variant Classification Process June 2021. Collection method: clinical testing. Allele origin: germline. Affected: yes.
Comment: Frameshift variant predicted to result in protein truncation or nonsense mediated decay in a gene or region of a gene for which loss of function is not a well-established mechanism of disease; Not observed at significant frequency in large population cohorts (gnomAD); Has not been previously published as pathogenic or benign to our knowledge; Variants in candidate genes are classified as variants of uncertain significance in accordance with ACMG guidelines (PMID: 25741868)